The following is an entry in ClinVar:

NM_024915.4(GRHL2):c.449T>G (p.Ile150Ser)

Gene: GRHL2 (grainyhead like transcription factor 2; plus strand). Cytogenetic location: 8q22.3.
Variant type: single nucleotide variant.
Coding change: c.449T>G on transcript NM_024915.4 (MANE Select); coding-DNA position 449, T replaced by G.
Protein change: p.Ile150Ser; replaces isoleucine 150 with serine.
Molecular consequence: missense variant.
Genome position (GRCh38, 1-based): chr8:101,558,583, T>G. VCF-style: chr8-101558583-T-G. GRCh37 (hg19) VCF-style: chr8-102570811-T-G.
Other names: c.401T>G, p.Ile134Ser (NM_001330593.2); short protein forms I150S, I134S.
Identifiers: ClinVar variation 179468 (VCV000179468.4), dbSNP rs727504883, ClinGen allele CA184476.

ClinVar aggregate classification (germline): Uncertain significance (1 of 4 stars; one submission).

Submission:

Laboratory for Molecular Medicine, Mass General Brigham Personalized Medicine
Classification: Uncertain significance. Last evaluated: 2013-12-10. Review status: criteria provided, single submitter. Criteria: LMM Criteria. Collection method: clinical testing. Allele origin: germline. Observed: 2 variant alleles.
Comment: The Ile150Ser variant in GRHL2 has not been previously reported in individuals w ith hearing loss or in large population studies. Computational analyses (biochem ical amino acid properties, conservation, AlignGVGD, PolyPhen2, and SIFT) do not provide strong support for or against an impact to the protein. In summary, add itional information is needed to determine the clinical significance of this var iant.